The following is an entry in ClinVar:

ClinVar aggregate classification (germline): Uncertain significance (1 of 4 stars; one submission).

Conditions:
Aicardi-Goutieres syndrome 7 (AGS7). Identifiers: Orphanet 51, MedGen C3888244, MONDO:0014367, OMIM 615846.
Singleton-Merten syndrome 1 (SGMRT1). Also called: Widened medullary cavities of bone, aortic calcification, abnormal dentition, and muscular weakness; Syndrome of widened medullary cavities of the metacarpals and phalanges, aortic calcification and abnormal dentition. Identifiers: Orphanet 85191, MedGen C4225427, MONDO:0024535, OMIM 182250.

Submission:

Labcorp Genetics (formerly Invitae), Labcorp
Classification: Uncertain significance for Aicardi-Goutieres syndrome 7; Singleton-Merten syndrome 1. Last evaluated: 2022-12-04. Review status: criteria provided, single submitter. Criteria: Invitae Variant Classification Sherloc (09022015). Collection method: clinical testing. Allele origin: germline.
Comment: This variant is not present in population databases (gnomAD no frequency). This variant has not been reported in the literature in individuals affected with IFIH1-related conditions. Algorithms developed to predict the effect of missense changes on protein structure and function output the following: SIFT: "Deleterious"; PolyPhen-2: "Benign"; Align-GVGD: "Class C15". The asparagine amino acid residue is found in multiple mammalian species, which suggests that this missense change does not adversely affect protein function. In summary, the available evidence is currently insufficient to determine the role of this variant in disease. Therefore, it has been classified as a Variant of Uncertain Significance. This sequence change replaces lysine, which is basic and polar, with asparagine, which is neutral and polar, at codon 884 of the IFIH1 protein (p.Lys884Asn).

NM_022168.4(IFIH1):c.2652G>T (p.Lys884Asn)

Gene: IFIH1 (interferon induced with helicase C domain 1; minus strand). Cytogenetic location: 2q24.2.
Variant type: single nucleotide variant.
Coding change: c.2652G>T on transcript NM_022168.4 (MANE Select); coding-DNA position 2652, G replaced by T.
Protein change: p.Lys884Asn; replaces lysine 884 with asparagine.
Molecular consequence: missense variant.
Genome position (GRCh38, 1-based): chr2:162,268,242, C>A on the plus strand (G>T on the coding strand, the complement: IFIH1 is on the minus strand). VCF-style: chr2-162268242-C-A. GRCh37 (hg19) VCF-style: chr2-163124752-C-A.
Other names: short protein forms K884N.
Identifiers: ClinVar variation 2936246 (VCV002936246.3), dbSNP rs907133393, ClinGen allele CA348992190.